The following is an entry in ClinVar:

NM_001267550.2(TTN):c.10270C>T (p.Gln3424Ter)

Gene: TTN (titin; minus strand). Cytogenetic location: 2q31.2.
Variant type: single nucleotide variant.
Coding change: c.10270C>T on transcript NM_001267550.2 (MANE Select); coding-DNA position 10270, C replaced by T.
Protein change: p.Gln3424Ter; replaces glutamine 3424 with a stop codon.
Molecular consequence: nonsense.
Genome position (GRCh38, 1-based): chr2:178,759,017, G>A on the plus strand (C>T on the coding strand, the complement: TTN is on the minus strand). VCF-style: chr2-178759017-G-A. GRCh37 (hg19) VCF-style: chr2-179623744-G-A.
Other names: c.10270C>T, p.Gln3424Ter (NM_001256850.1, NM_133378.4, NM_133379.5); c.10132C>T, p.Gln3378Ter (NM_003319.4, NM_133432.3, NM_133437.4); short protein forms Q3424*, Q3378*.
Identifiers: ClinVar variation 2948823 (VCV002948823.3), dbSNP rs370865998, ClinGen allele CA349673061.
Genomic context (GRCh38, chr2:178,759,017, plus strand): 5'-GGGGTTCTGAAAGTTGTTTTACTTTACCTTCCAGACTCAGGTTGGCTGTGCTTGATACTT[G>A]GCCTACAGCATTACTAGCAACAAACGTGTAAGTTCCTTCATCTTCTGGATAAGCTTCGGC-3'

ClinVar aggregate classification (germline): Likely pathogenic (1 of 4 stars; one submission).

Conditions:
Dilated cardiomyopathy 1G (CMD1G). Identifiers: Orphanet 154, MedGen C1858763, MONDO:0011400, OMIM 604145.
Autosomal recessive limb-girdle muscular dystrophy type 2J (LGMDR10). Also called: Limb-girdle muscular dystrophy, type 2J; MUSCULAR DYSTROPHY, LIMB-GIRDLE, AUTOSOMAL RECESSIVE 10. Identifiers: Orphanet 140922, MedGen C1837342, MONDO:0012127, OMIM 608807.

gnomAD v4.1: 1 of 1,613,894 alleles (0.000062%); highest among the groups gnomAD compares: Non-Finnish European, 0.000085%; no homozygotes.

Submission:

Labcorp Genetics (formerly Invitae), Labcorp
Classification: Likely pathogenic for Dilated cardiomyopathy 1G; Autosomal recessive limb-girdle muscular dystrophy type 2J. Last evaluated: 2024-10-17. Review status: criteria provided, single submitter. Criteria: Invitae Variant Classification Sherloc (09022015). Collection method: clinical testing. Allele origin: germline.
Comment: This sequence change creates a premature translational stop signal (p.Gln3424*) in the TTN gene. While this is not anticipated to result in nonsense mediated decay, it is expected to create a truncated TTN protein. This variant is not present in population databases (gnomAD no frequency). This variant has not been reported in the literature in individuals affected with TTN-related conditions. This variant is located in the I band of TTN (PMID: 25589632). Truncating variants in this region have been reported in individuals affected with autosomal recessive centronuclear myopathy (PMID: 23975875, internal data). Truncating variants in this region have also been identified in individuals affected with autosomal dominant dilated cardiomyopathy and/or cardio-related conditions (PMID: 27869827, 32964742, internal data). In summary, the currently available evidence indicates that the variant is pathogenic, but additional data are needed to prove that conclusively. Therefore, this variant has been classified as Likely Pathogenic.

Literature cited by the submitters: PubMed 25589632; PubMed 23975875; PubMed 27869827; PubMed 32964742.